The following is an entry in ClinVar:

NM_198578.4(LRRK2):c.32A>C (p.Glu11Ala)

Gene: LRRK2 (leucine rich repeat kinase 2; plus strand). Cytogenetic location: 12q12.
Variant type: single nucleotide variant.
Coding change: c.32A>C on transcript NM_198578.4 (MANE Select); coding-DNA position 32, A replaced by C.
Protein change: p.Glu11Ala; replaces glutamic acid 11 with alanine.
Molecular consequence: missense variant.
Genome position (GRCh38, 1-based): chr12:40,225,163, A>C. VCF-style: chr12-40225163-A-C. GRCh37 (hg19) VCF-style: chr12-40618965-A-C.
Other names: short protein forms E11A.
Identifiers: ClinVar variation 2453061 (VCV002453061.2), dbSNP rs2499329538, ClinGen allele CA384398299.

ClinVar aggregate classification (germline): Uncertain significance (1 of 4 stars; one submission).

Conditions:
Inborn genetic diseases. Identifiers: MedGen C0950123, MeSH D030342.

Submission:

Ambry Genetics
Classification: Uncertain significance for Inborn genetic diseases. Last evaluated: 2022-12-19. Review status: criteria provided, single submitter. Criteria: Ambry Variant Classification Scheme 2023. Collection method: clinical testing. Allele origin: germline.
Comment: The p.E11A variant (also known as c.32A>C), located in coding exon 1 of the LRRK2 gene, results from an A to C substitution at nucleotide position 32. The glutamic acid at codon 11 is replaced by alanine, an amino acid with dissimilar properties. This amino acid position is conserved. In addition, this alteration is predicted to be tolerated by in silico analysis. Since supporting evidence is limited at this time, the clinical significance of this alteration remains unclear.